The following is an entry in ClinVar:

NM_001903.5(CTNNA1):c.1507G>C (p.Asp503His)

Gene: CTNNA1 (catenin alpha 1; plus strand). Cytogenetic location: 5q31.2.
Variant type: single nucleotide variant.
Coding change: c.1507G>C on transcript NM_001903.5 (MANE Select); coding-DNA position 1507, G replaced by C.
Protein change: p.Asp503His; replaces aspartic acid 503 with histidine.
Molecular consequence: missense variant.
Genome position (GRCh38, 1-based): chr5:138,917,859, G>C. VCF-style: chr5-138917859-G-C. GRCh37 (hg19) VCF-style: chr5-138253548-G-C.
Other names: c.1507G>C, p.Asp503His (NM_001290307.3, NM_001323982.2, NM_001323983.1 and 2 more transcripts); c.1198G>C, p.Asp400His (NM_001290309.3); c.1138G>C, p.Asp380His (NM_001290310.3); c.397G>C, p.Asp133His (NM_001290312.1, NM_001323987.1, NM_001323988.1 and 17 more transcripts); c.1414G>C, p.Asp472His (NM_001323986.2); c.58G>C, p.Asp20His (NM_001324006.1, NM_001324007.1, NM_001324008.1 and 2 more transcripts); c.304G>C, p.Asp102His (NM_001324011.1); c.154G>C, p.Asp52His (NM_001324012.1, NM_001324013.1); short protein forms D102H, D133H, D20H, D380H, D400H, D472H, D503H, D52H.
Identifiers: ClinVar variation 4869492 (VCV004869492.1).

ClinVar aggregate classification (germline): Uncertain significance (1 of 4 stars; one submission).

Conditions:
Hereditary cancer-predisposing syndrome. Also called: Neoplastic Syndromes, Hereditary; Tumor predisposition; Hereditary Cancer Syndrome; Hereditary neoplastic syndrome. Identifiers: Orphanet 140162, MedGen C0027672, MeSH D009386, MONDO:0015356.

Submission:

Ambry Genetics
Classification: Uncertain significance for Hereditary cancer-predisposing syndrome. Last evaluated: 2026-05-24. Review status: criteria provided, single submitter. Criteria: Ambry Variant Classification Scheme 2023. Collection method: clinical testing. Allele origin: germline.
Comment: The p.D503H variant (also known as c.1507G>C), located in coding exon 10 of the CTNNA1 gene, results from a G to C substitution at nucleotide position 1507. The aspartic acid at codon 503 is replaced by histidine, an amino acid with similar properties. This amino acid position is conserved. In addition, this alteration is predicted to be deleterious by in silico analysis. Based on the available evidence, the clinical significance of this variant remains unclear.